The following is an entry in ClinVar:

NM_003738.5(PTCH2):c.250C>G (p.Gln84Glu)

Gene: PTCH2 (patched 2; minus strand). Cytogenetic location: 1p34.1.
Variant type: single nucleotide variant.
Coding change: c.250C>G on transcript NM_003738.5 (MANE Select); coding-DNA position 250, C replaced by G.
Protein change: p.Gln84Glu; replaces glutamine 84 with glutamic acid.
Molecular consequence: missense variant.
Genome position (GRCh38, 1-based): chr1:44,841,862, G>C on the plus strand (C>G on the coding strand, the complement: PTCH2 is on the minus strand). VCF-style: chr1-44841862-G-C. GRCh37 (hg19) VCF-style: chr1-45307534-G-C.
Other names: c.250C>G (NM_003738.4); c.250C>G, p.Gln84Glu (NM_001166292.2); short protein forms Q84E.
Identifiers: ClinVar variation 2171867 (VCV002171867.3), dbSNP rs755258246, ClinGen allele CA21759440.

ClinVar aggregate classification (germline): Uncertain significance. Review status: criteria provided, multiple submitters, no conflicts (2 of 4 stars). 2 submissions from 2 submitters: Uncertain significance (2). Last evaluated 2024-07-27.

Conditions:
Gorlin syndrome. Also called: Basal cell nevus syndrome; Nevoid Basal Cell Carcinoma Syndrome. Identifiers: Orphanet 377, MedGen C0004779, MONDO:0007187.

Allele frequency attached by ClinVar (database versions not stated): TOPMed below 0.00001; gnomAD 0.00001; gnomAD exomes below 0.00001.
gnomAD v4.1: 3 of 1,614,084 alleles (0.00019%); highest among the groups gnomAD compares: Non-Finnish European, 0.00025%; no homozygotes.

Submissions (2):

Ambry Genetics
Classification: Uncertain significance. Last evaluated: 2024-07-27. Review status: criteria provided, single submitter. Criteria: Ambry Variant Classification Scheme 2023. Collection method: clinical testing. Allele origin: germline.

Labcorp Genetics (formerly Invitae), Labcorp
Classification: Uncertain significance for Gorlin syndrome. Last evaluated: 2023-12-29. Review status: criteria provided, single submitter. Criteria: Invitae Variant Classification Sherloc (09022015). Collection method: clinical testing. Allele origin: germline.
Comment: This sequence change replaces glutamine, which is neutral and polar, with glutamic acid, which is acidic and polar, at codon 84 of the PTCH2 protein (p.Gln84Glu). This variant is present in population databases (no rsID available, gnomAD 0.007%). This variant has not been reported in the literature in individuals affected with PTCH2-related conditions. ClinVar contains an entry for this variant (Variation ID: 2171867). An algorithm developed to predict the effect of missense changes on protein structure and function (PolyPhen-2) suggests that this variant¬†is likely to be tolerated. In summary, the available evidence is currently insufficient to determine the role of this variant in disease. Therefore, it has been classified as a Variant of Uncertain Significance.